The following is an entry in ClinVar:

NM_000303.3(PMM2):c.4G>A (p.Ala2Thr)

Gene: PMM2 (phosphomannomutase 2; plus strand). Cytogenetic location: 16p13.2.
Variant type: single nucleotide variant.
Coding change: c.4G>A on transcript NM_000303.3 (MANE Select); coding-DNA position 4, G replaced by A.
Protein change: p.Ala2Thr; replaces alanine 2 with threonine.
Molecular consequence: missense variant.
Genome position (GRCh38, 1-based): chr16:8,797,886, G>A. VCF-style: chr16-8797886-G-A. GRCh37 (hg19) VCF-style: chr16-8891743-G-A.
Other names: short protein forms A2T.
Identifiers: ClinVar variation 1398670 (VCV001398670.4), dbSNP rs2141014078, ClinGen allele CA394694751.

ClinVar aggregate classification (germline): Uncertain significance (1 of 4 stars; one submission).

Conditions:
PMM2-congenital disorder of glycosylation. Also called: PMM2-CDG; PHOSPHOMANNOMUTASE 2 DEFICIENCY; CARBOHYDRATE-DEFICIENT GLYCOPROTEIN SYNDROME, TYPE Ia; Congenital disorder of glycosylation, type Ia; CDG Ia; JAEKEN SYNDROME. Identifiers: Orphanet 79318, MedGen C0349653, MONDO:0008907, OMIM 212065.

gnomAD v4.1: 1 of 1,611,462 alleles (0.000062%); no homozygotes.

Submission:

Labcorp Genetics (formerly Invitae), Labcorp
Classification: Uncertain significance for PMM2-congenital disorder of glycosylation. Last evaluated: 2022-07-14. Review status: criteria provided, single submitter. Criteria: Invitae Variant Classification Sherloc (09022015). Collection method: clinical testing. Allele origin: germline.
Comment: In summary, the available evidence is currently insufficient to determine the role of this variant in disease. Therefore, it has been classified as a Variant of Uncertain Significance. Algorithms developed to predict the effect of missense changes on protein structure and function (SIFT, PolyPhen-2, Align-GVGD) all suggest that this variant is likely to be tolerated. ClinVar contains an entry for this variant (Variation ID: 1398670). This variant has not been reported in the literature in individuals affected with PMM2-related conditions. This variant is not present in population databases (gnomAD no frequency). This sequence change replaces alanine, which is neutral and non-polar, with threonine, which is neutral and polar, at codon 2 of the PMM2 protein (p.Ala2Thr).